The following is an entry in ClinVar:

NM_001370785.2(LRRC7):c.170G>T (p.Gly57Val)

Gene: LRRC7 (leucine rich repeat containing 7; plus strand). Cytogenetic location: 1p31.1.
Variant type: single nucleotide variant.
Coding change: c.170G>T on transcript NM_001370785.2 (MANE Select); coding-DNA position 170, G replaced by T.
Protein change: p.Gly57Val; replaces glycine 57 with valine.
Molecular consequence: missense variant.
Genome position (GRCh38, 1-based): chr1:69,760,260, G>T. VCF-style: chr1-69760260-G-T. GRCh37 (hg19) VCF-style: chr1-70225943-G-T.
Other names: c.71G>T, p.Gly24Val (NM_001330635.3, NM_001366837.3, NM_001366839.3 and 1 more transcripts); c.173G>T, p.Gly58Val (NM_001350216.3, NM_001366840.1); c.170G>T, p.Gly57Val (NM_001366836.3, NM_001366838.3); c.227G>T, p.Gly76Val (NM_001366842.1); short protein forms G24V, G58V, G76V, G57V.
Identifiers: ClinVar variation 4772908 (VCV004772908.1).

ClinVar aggregate classification (germline): Uncertain significance (1 of 4 stars; one submission).

gnomAD v4.1: 1 of 1,612,704 alleles (0.000062%); highest among the groups gnomAD compares: Non-Finnish European, 0.000085%; no homozygotes.

Submission:

Labcorp Genetics (formerly Invitae), Labcorp
Classification: Uncertain significance. Last evaluated: 2025-04-12. Review status: criteria provided, single submitter. Criteria: Invitae Variant Classification Sherloc (09022015). Collection method: clinical testing. Allele origin: germline.
Comment: This sequence change replaces glycine, which is neutral and non-polar, with valine, which is neutral and non-polar, at codon 57 of the LRRC7 protein (p.Gly57Val). This variant is not present in population databases (gnomAD no frequency). This variant has not been reported in the literature in individuals affected with LRRC7-related conditions. Experimental studies and prediction algorithms are not available or were not evaluated, and the functional significance of this variant is currently unknown. In summary, the available evidence is currently insufficient to determine the role of this variant in disease. Therefore, it has been classified as a Variant of Uncertain Significance.